The following is an entry in ClinVar:

NM_001040108.2(MLH3):c.3914C>T (p.Pro1305Leu)

Gene: MLH3 (mutL homolog 3; minus strand). Cytogenetic location: 14q24.3.
Variant type: single nucleotide variant.
Coding change: c.3914C>T on transcript NM_001040108.2 (MANE Select); coding-DNA position 3914, C replaced by T.
Protein change: p.Pro1305Leu; replaces proline 1305 with leucine.
Molecular consequence: missense variant.
Genome position (GRCh38, 1-based): chr14:75,030,616, G>A on the plus strand (C>T on the coding strand, the complement: MLH3 is on the minus strand). VCF-style: chr14-75030616-G-A. GRCh37 (hg19) VCF-style: chr14-75497319-G-A.
Other names: c.3842C>T, p.Pro1281Leu (NM_014381.3); short protein forms P1281L, P1305L.
Identifiers: ClinVar variation 2561680 (VCV002561680.3), dbSNP rs1409810819, ClinGen allele CA390422743.

ClinVar aggregate classification (germline): Uncertain significance (1 of 4 stars; one submission).

Allele frequency attached by ClinVar (database versions not stated): gnomAD exomes below 0.00001.
gnomAD v4.1: 2 of 1,613,554 alleles (0.00012%); highest among the groups gnomAD compares: South Asian, 0.0011%; no homozygotes.

Submission:

Ambry Genetics
Classification: Uncertain significance. Last evaluated: 2025-05-18. Review status: criteria provided, single submitter. Criteria: Ambry Variant Classification Scheme 2023. Collection method: clinical testing. Allele origin: germline.
Comment: The p.P1305L variant (also known as c.3914C>T), located in coding exon 8 of the MLH3 gene, results from a C to T substitution at nucleotide position 3914. The proline at codon 1305 is replaced by leucine, an amino acid with similar properties. This amino acid position is highly conserved in available vertebrate species. In addition, this alteration is predicted to be deleterious by in silico analysis. Since supporting evidence is limited at this time, the clinical significance of this alteration remains unclear.